The following is an entry in ClinVar:

NM_024642.5(GALNT12):c.970T>C (p.Tyr324His)

Gene: GALNT12 (polypeptide N-acetylgalactosaminyltransferase 12; plus strand). Cytogenetic location: 9q22.33.
Variant type: single nucleotide variant.
Coding change: c.970T>C on transcript NM_024642.5 (MANE Select); coding-DNA position 970, T replaced by C.
Protein change: p.Tyr324His; replaces tyrosine 324 with histidine.
Molecular consequence: missense variant.
Genome position (GRCh38, 1-based): chr9:98,835,301, T>C. VCF-style: chr9-98835301-T-C. GRCh37 (hg19) VCF-style: chr9-101597583-T-C.
Other names: short protein forms Y324H.
Identifiers: ClinVar variation 4871646 (VCV004871646.1).
Genomic context (GRCh38, chr9:98,835,301, plus strand): 5'-TTTTTTAGGTCTCCAACAATGGCTGGTGGGCTGTTTGCTGTGAGTAAGAAATATTTTGAA[T>C]ATCTGGGGTCTTATGATACAGGAATGGAAGTTTGGGGAGGAGAAAACCTCGAATTTTCCT-3'
Protein context (NP_078918.3, residues 314-334): LFAVSKKYFE[Tyr324His]LGSYDTGMEV

ClinVar aggregate classification (germline): Uncertain significance (1 of 4 stars; one submission).

Submission:

Ambry Genetics
Classification: Uncertain significance. Last evaluated: 2026-05-14. Review status: criteria provided, single submitter. Criteria: Ambry Variant Classification Scheme 2023. Collection method: clinical testing. Allele origin: germline.
Comment: The p.Y324H variant (also known as c.970T>C), located in coding exon 5 of the GALNT12 gene, results from a T to C substitution at nucleotide position 970. The tyrosine at codon 324 is replaced by histidine, an amino acid with similar properties. This amino acid position is conserved. In addition, this alteration is predicted to be tolerated by in silico analysis. Based on the available evidence, the clinical significance of this variant remains unclear.